The following is an entry in ClinVar:

NM_001367479.1(DNAH14):c.1005T>C (p.Asp335=)

Gene: DNAH14 (dynein axonemal heavy chain 14; plus strand). Cytogenetic location: 1q42.12.
Variant type: single nucleotide variant.
Coding change: c.1005T>C on transcript NM_001367479.1 (MANE Select); coding-DNA position 1005, T replaced by C.
Protein change: p.Asp335=; no amino-acid change (aspartic acid 335 retained).
Molecular consequence: synonymous variant.
Genome position (GRCh38, 1-based): chr1:225,007,442, T>C. VCF-style: chr1-225007442-T-C. GRCh37 (hg19) VCF-style: chr1-225195144-T-C.
Other names: c.1005T>C, p.Asp335= (NM_001145154.3); c.936T>C, p.Asp312= (NM_001349911.2).
Identifiers: ClinVar variation 2639941 (VCV002639941.24), dbSNP rs149893393, ClinGen allele CA1415679.

ClinVar aggregate classification (germline): Likely benign (1 of 4 stars; one submission).

Allele frequency attached by ClinVar (database versions not stated): ESP Exome Variant Server 0.00110; gnomAD 0.00123; TOPMed 0.00148; 1000 Genomes Project 0.00160; gnomAD exomes 0.00167; 1000 Genomes Project 30x 0.00172; ExAC 0.00175.
gnomAD v4.1: 2,500 of 1,539,108 alleles (0.16%); highest among the groups gnomAD compares: South Asian, 0.29%; 5 homozygotes.

Submission:

CeGaT Center for Human Genetics Tuebingen
Classification: Likely benign. Last evaluated: 2022-10-01. Review status: criteria provided, single submitter. Criteria: CeGaT Center For Human Genetics Tuebingen Variant Classification Criteria Version 2. Collection method: clinical testing. Allele origin: germline. Affected: yes. Observed: 2 variant alleles.
Comment: DNAH14: BP4, BP7